The following is an entry in ClinVar:

ClinVar aggregate classification (germline): Uncertain significance (1 of 4 stars; one submission).

Allele frequency attached by ClinVar (database versions not stated): gnomAD exomes 0.00001.

Submission:

Labcorp Genetics (formerly Invitae), Labcorp
Classification: Uncertain significance. Last evaluated: 2022-02-27. Review status: criteria provided, single submitter. Criteria: Invitae Variant Classification Sherloc (09022015). Collection method: clinical testing. Allele origin: germline.
Comment: This variant is not present in population databases (gnomAD no frequency). This sequence change replaces glycine, which is neutral and non-polar, with aspartic acid, which is acidic and polar, at codon 545 of the KRT10 protein (p.Gly545Asp). This variant has not been reported in the literature in individuals affected with KRT10-related conditions. In summary, the available evidence is currently insufficient to determine the role of this variant in disease. Therefore, it has been classified as a Variant of Uncertain Significance. Advanced modeling of protein sequence and biophysical properties (such as structural, functional, and spatial information, amino acid conservation, physicochemical variation, residue mobility, and thermodynamic stability) performed at Invitae indicates that this missense variant is not expected to disrupt KRT10 protein function.

NM_000421.5(KRT10):c.1634G>A (p.Gly545Asp)

Gene: KRT10 (keratin 10; minus strand). Cytogenetic location: 17q21.2.
Variant type: single nucleotide variant.
Coding change: c.1634G>A on transcript NM_000421.5 (MANE Select); coding-DNA position 1634, G replaced by A.
Protein change: p.Gly545Asp; replaces glycine 545 with aspartic acid.
Molecular consequence: missense variant.
Genome position (GRCh38, 1-based): chr17:40,818,901, C>T on the plus strand (G>A on the coding strand, the complement: KRT10 is on the minus strand). VCF-style: chr17-40818901-C-T. GRCh37 (hg19) VCF-style: chr17-38975153-C-T.
Other names: c.1634G>A, p.Gly545Asp (NM_001379366.1); short protein forms G545D.
Identifiers: ClinVar variation 1940497 (VCV001940497.5), dbSNP rs1027258739, ClinGen allele CA290585009.